The following is an entry in ClinVar:

ClinVar aggregate classification (germline): Uncertain significance (1 of 4 stars; one submission).

Submission:

GeneDx
Classification: Uncertain significance. Last evaluated: 2024-07-18. Review status: criteria provided, single submitter. Criteria: GeneDx Variant Classification Process June 2021. Collection method: clinical testing. Allele origin: germline. Affected: yes.
Comment: Not observed at significant frequency in large population cohorts (gnomAD); Has not been previously published as pathogenic or benign to our knowledge; Canonical splice site variant in a gene for which loss-of-function is not a known mechanism of disease

NM_001395656.1(ROBO2):c.2695+1G>A

Gene: ROBO2 (roundabout guidance receptor 2; plus strand). Cytogenetic location: 3p12.3.
Variant type: single nucleotide variant.
Coding change: c.2695+1G>A on transcript NM_001395656.1 (MANE Select); the canonical splice donor site of the intron after coding-DNA position 2695, G replaced by A.
Molecular consequence: splice donor variant.
Genome position (GRCh38, 1-based): chr3:77,588,934, G>A. VCF-style: chr3-77588934-G-A. GRCh37 (hg19) VCF-style: chr3-77638085-G-A.
Other names: c.2743+1G>A (NM_001378191.1, NM_001378195.1, NM_001378196.1 and 4 more transcripts); c.2731+1G>A (NM_001128929.3); c.2764+1G>A (NM_001394213.1, NM_001378192.1, NM_001378198.1 and 2 more transcripts); c.2752+1G>A (NM_001394212.1, NM_001395657.1, NM_001394214.1); c.2695+1G>A (NM_001290040.2, NM_001290039.2, NM_001378202.1); c.904+1G>A (NM_001290065.2); c.2683+1G>A (NM_001378197.1, NM_001378193.1, NM_002942.5).
Identifiers: ClinVar variation 3573558 (VCV003573558.1).